The following is an entry in ClinVar:

NM_001378418.1(TCF20):c.3989C>T (p.Ala1330Val)

Gene: TCF20 (transcription factor 20; minus strand). Cytogenetic location: 22q13.2.
Variant type: single nucleotide variant.
Coding change: c.3989C>T on transcript NM_001378418.1 (MANE Select); coding-DNA position 3989, C replaced by T.
Protein change: p.Ala1330Val; replaces alanine 1330 with valine.
Molecular consequence: missense variant.
Genome position (GRCh38, 1-based): chr22:42,211,317, G>A on the plus strand (C>T on the coding strand, the complement: TCF20 is on the minus strand). VCF-style: chr22-42211317-G-A. GRCh37 (hg19) VCF-style: chr22-42607323-G-A.
Other names: c.3989C>T, p.Ala1330Val (NM_005650.4, NM_181492.3); short protein forms A1330V.
Identifiers: ClinVar variation 5037229 (VCV005037229.1).

ClinVar aggregate classification (germline): Uncertain significance (1 of 4 stars; one submission).

Submission:

GeneDx
Classification: Uncertain significance. Last evaluated: 2026-04-17. Review status: criteria provided, single submitter. Criteria: GeneDx Variant Classification Process June 2021. Collection method: clinical testing. Allele origin: germline.
Comment: Not observed at significant frequency in large population cohorts (gnomAD); In silico analysis suggests that this missense variant does not alter protein structure/function; Has not been previously published as pathogenic or benign to our knowledge